The following is an entry in ClinVar:

ClinVar aggregate classification (germline): Pathogenic (1 of 4 stars; one submission).

Conditions:
Mucolipidosis type IV (ML4). Also called: ML IV. Identifiers: Orphanet 578, MedGen C0238286, MONDO:0009653, OMIM 252650.

Submission:

Myriad Genetics, Inc.
Classification: Pathogenic for Mucolipidosis type IV. Last evaluated: 2024-10-24. Review status: criteria provided, single submitter. Criteria: Myriad Autosomal Dominant, Autosomal Recessive and X-Linked Classification Criteria (2023). Collection method: clinical testing. Allele origin: unknown.
Comment: NM_020533.2(MCOLN1):c.796delG(A266Hfs*106) is expected to be pathogenic in the context of mucolipidosis IV. This variant is predicted to lead to an abnormal or absent protein product due to the creation of a premature termination codon in MCOLN1, a gene where loss-of-function variants are known to be pathogenic. Please note: this variant was assessed in the context of healthy population screening.

NM_020533.3(MCOLN1):c.796del (p.Ala266fs)

Gene: MCOLN1 (mucolipin TRP cation channel 1; plus strand). Cytogenetic location: 19p13.2.
Variant type: Deletion.
Coding change: c.796del on transcript NM_020533.3 (MANE Select); coding-DNA position 796, one base deleted (G; older notation c.796delG).
Protein change: p.Ala266fs; shifts the reading frame from alanine 266.
Molecular consequence: frameshift variant.
Genome position (GRCh38, 1-based): chr19:7,528,176, G deleted. VCF-style (leftmost placement, unchanged base first): chr19-7528175-AG-A. GRCh37 (hg19) VCF-style: chr19-7593061-AG-A.
Other names: short protein forms A266fs.
Identifiers: ClinVar variation 5013677 (VCV005013677.1).